The following is an entry in ClinVar:

NM_014874.4(MFN2):c.176-59C>G

Gene: MFN2 (mitofusin 2; plus strand). Cytogenetic location: 1p36.22.
Variant type: single nucleotide variant.
Coding change: c.176-59C>G on transcript NM_014874.4 (MANE Select); 59 bases into the intron before coding-DNA position 176, C replaced by G.
Molecular consequence: intron variant.
Genome position (GRCh38, 1-based): chr1:11,992,496, C>G. VCF-style: chr1-11992496-C-G. GRCh37 (hg19) VCF-style: chr1-12052553-C-G.
Other names: c.176-59C>G (NM_001127660.2).
Identifiers: ClinVar variation 675533 (VCV000675533.2), dbSNP rs17037562, ClinGen allele CA18038506.

ClinVar aggregate classification (germline): Benign. Review status: criteria provided, multiple submitters, no conflicts (2 of 4 stars). 2 submissions from 2 submitters: Benign (2). Last evaluated 2018-06-16.

Allele frequency attached by ClinVar (database versions not stated): gnomAD 0.02345 and 0.02488; TOPMed 0.02675; 1000 Genomes Project 0.02935; 1000 Genomes Project 30x 0.03107.

Submissions (2):

GeneDx
Classification: Benign. Last evaluated: 2018-06-16. Review status: criteria provided, single submitter. Criteria: GeneDx Variant Classification (06012015). Collection method: clinical testing. Allele origin: germline. Affected: yes.
Comment: This variant is considered likely benign or benign based on one or more of the following criteria: it is a conservative change, it occurs at a poorly conserved position in the protein, it is predicted to be benign by multiple in silico algorithms, and/or has population frequency not consistent with disease.

Breakthrough Genomics
Classification: Benign. Review status: criteria provided, single submitter. Criteria: ACMG Guidelines, 2015. Collection method: not provided. Allele origin: germline. Inheritance: Autosomal recessive inheritance. Affected: yes.